The following is an entry in ClinVar:

ClinVar aggregate classification (germline): Uncertain significance (1 of 4 stars; one submission).

Conditions:
Methylcobalamin deficiency type cblG (HMAG). Also called: HOMOCYSTINURIA-MEGALOBLASTIC ANEMIA, cblG COMPLEMENTATION TYPE; HOMOCYSTINURIA-MEGALOBLASTIC ANEMIA, cblG TYPE; HOMOCYSTINURIA-MEGALOBLASTIC ANEMIA DUE TO DEFECT IN COBALAMIN METABOLISM, cblG COMPLEMENTATION TYPE; Functional methionine synthase deficiency type cblG. Identifiers: Orphanet 2170, Orphanet 622, MedGen C1855128, MONDO:0009609, OMIM 250940.

gnomAD v4.1: 5 of 1,597,790 alleles (0.00031%); highest among the groups gnomAD compares: African/African-American, 0.0067%; no homozygotes.

Submission:

Labcorp Genetics (formerly Invitae), Labcorp
Classification: Uncertain significance for Methylcobalamin deficiency type cblG. Last evaluated: 2022-06-27. Review status: criteria provided, single submitter. Criteria: Invitae Variant Classification Sherloc (09022015). Collection method: clinical testing. Allele origin: germline.
Comment: Algorithms developed to predict the effect of missense changes on protein structure and function (SIFT, PolyPhen-2, Align-GVGD) all suggest that this variant is likely to be disruptive. In summary, the available evidence is currently insufficient to determine the role of this variant in disease. Therefore, it has been classified as a Variant of Uncertain Significance. This variant has not been reported in the literature in individuals affected with MTR-related conditions. This variant is present in population databases (no rsID available, gnomAD 0.01%). This sequence change replaces arginine, which is basic and polar, with proline, which is neutral and non-polar, at codon 1172 of the MTR protein (p.Arg1172Pro).

NM_000254.3(MTR):c.3515G>C (p.Arg1172Pro)

Gene: MTR (5-methyltetrahydrofolate-homocysteine methyltransferase; plus strand). Cytogenetic location: 1q43.
Variant type: single nucleotide variant.
Coding change: c.3515G>C on transcript NM_000254.3 (MANE Select); coding-DNA position 3515, G replaced by C.
Protein change: p.Arg1172Pro; replaces arginine 1172 with proline.
Molecular consequence: missense variant.
Genome position (GRCh38, 1-based): chr1:236,895,467, G>C. VCF-style: chr1-236895467-G-C. GRCh37 (hg19) VCF-style: chr1-237058767-G-C.
Other names: c.3362G>C, p.Arg1121Pro (NM_001291939.1); c.2294G>C, p.Arg765Pro (NM_001291940.2); short protein forms R1121P, R1172P, R765P.
Identifiers: ClinVar variation 1406734 (VCV001406734.6), dbSNP rs778432496, ClinGen allele CA39766818.